The following is an entry in ClinVar:

ClinVar aggregate classification (germline): Uncertain significance. Review status: criteria provided, multiple submitters, no conflicts (2 of 4 stars). 2 submissions from 2 submitters: Uncertain significance (2). Last evaluated 2022-03-23.

Allele frequency attached by ClinVar (database versions not stated): ExAC 0.00001; gnomAD 0.00001; gnomAD exomes 0.00001; TOPMed 0.00002.
gnomAD v4.1: 13 of 1,557,066 alleles (0.00083%); highest among the groups gnomAD compares: African/African-American, 0.0055%; no homozygotes.

Submissions (2):

Labcorp Genetics (formerly Invitae), Labcorp
Classification: Uncertain significance. Last evaluated: 2022-03-23. Review status: criteria provided, single submitter. Criteria: Invitae Variant Classification Sherloc (09022015). Collection method: clinical testing. Allele origin: germline.
Comment: This sequence change replaces arginine, which is basic and polar, with cysteine, which is neutral and slightly polar, at codon 889 of the KIAA0556 protein (p.Arg889Cys). This variant is present in population databases (rs767622231, gnomAD 0.009%). This variant has not been reported in the literature in individuals affected with KIAA0556-related conditions. Algorithms developed to predict the effect of missense changes on protein structure and function output the following: SIFT: "Tolerated"; PolyPhen-2: "Benign"; Align-GVGD: "Class C0". The cysteine amino acid residue is found in multiple mammalian species, which suggests that this missense change does not adversely affect protein function. In summary, the available evidence is currently insufficient to determine the role of this variant in disease. Therefore, it has been classified as a Variant of Uncertain Significance.

Ambry Genetics
Classification: Uncertain significance. Last evaluated: 2022-03-16. Review status: criteria provided, single submitter. Criteria: Ambry Variant Classification Scheme 2023. Collection method: clinical testing. Allele origin: germline.

NM_015202.5(KATNIP):c.2665C>T (p.Arg889Cys)

Gene: KATNIP (katanin interacting protein; plus strand). Cytogenetic location: 16p12.1.
Variant type: single nucleotide variant.
Coding change: c.2665C>T on transcript NM_015202.5 (MANE Select); coding-DNA position 2665, C replaced by T.
Protein change: p.Arg889Cys; replaces arginine 889 with cysteine.
Molecular consequence: missense variant.
Genome position (GRCh38, 1-based): chr16:27,749,625, C>T. VCF-style: chr16-27749625-C-T. GRCh37 (hg19) VCF-style: chr16-27760946-C-T.
Other names: c.2665C>T (NM_015202.2); short protein forms R889C.
Identifiers: ClinVar variation 2413783 (VCV002413783.7), dbSNP rs767622231, ClinGen allele CA7978031.
Genomic context (GRCh38, chr16:27,749,625, plus strand): 5'-CTTGTGTCCTTTCTTCCAGAAGACACCTGGTCTTCCAGGACGCCGTCACGGTCAAGGTGG[C>T]GCAGTGAGCAGGAGCACACACTTCACGAGTCATGGAGCTCCCTCAGTGCCTTCGACCGCT-3'
Protein context (NP_056017.4, residues 879-899): SSRTPSRSRW[Arg889Cys]SEQEHTLHES